The following is an entry in ClinVar:

ClinVar aggregate classification (germline): Pathogenic (1 of 4 stars; one submission).

Conditions:
Waardenburg syndrome type 4C (WS4C). Also called: WAARDENBURG SYNDROME WITH HIRSCHSPRUNG DISEASE, TYPE 4C. Identifiers: Orphanet 897, MedGen C2750452, MONDO:0013202, OMIM 613266.

Submission:

Institute of Rare Diseases, West China Hospital, Sichuan University
Classification: Pathogenic for Waardenburg syndrome type 4C. Last evaluated: 2025-01-09. Review status: criteria provided, single submitter. Criteria: ClinGen HL ACMG Specifications v1. Collection method: research. Allele origin: germline. Affected: yes.
Comment: PM1;PVS1;PM2_Supporting

NM_006941.4(SOX10):c.408_409insCTCA (p.Thr137fs)

Genes: POLR2F (RNA polymerase II, I and III subunit F; plus strand), SOX10 (SRY-box transcription factor 10; minus strand). Cytogenetic location: 22q13.1.
Variant type: Insertion.
Coding change: c.408_409insCTCA on transcript NM_006941.4 (MANE Select); coding-DNA positions 408 to 409, CTCA inserted.
Protein change: p.Thr137fs; shifts the reading frame from threonine 137.
Molecular consequence: frameshift variant. On other transcripts: intron variant (3).
Genome position: GRCh38 VCF-style: chr22-37983376-T-TTGAG. GRCh37 (hg19) VCF-style: chr22-38379383-T-TTGAG.
Other names: c.*38+11066_*38+11067insTGAG (NM_001363825.1); c.294-2778_294-2777insTGAG (NM_001301130.2); c.293+16206_293+16207insTGAG (NM_001301131.2); short protein forms T137fs.
Identifiers: ClinVar variation 3601830 (VCV003601830.1).